The following is an entry in ClinVar:

ClinVar aggregate classification (germline): Benign/Likely benign. Review status: criteria provided, multiple submitters, no conflicts (2 of 4 stars). 3 submissions from 2 submitters: Benign (1); Likely benign (2). Last evaluated 2018-01-13.

Conditions:
Metaphyseal chondrodysplasia, Jansen type. Also called: Metaphyseal chondrodysplasia Murk Jansen type; PTH1R-Related Jansen Metaphyseal Chondrodysplasia. Identifiers: Orphanet 33067, MedGen C0265295, MONDO:0007982, OMIM 156400.
Chondrodysplasia Blomstrand type (BOCD). Identifiers: Orphanet 50945, MedGen C1859148, MONDO:0008970, OMIM 215045.

Allele frequency attached by ClinVar (database versions not stated): 1000 Genomes Project 0.00080; ExAC 0.00114; gnomAD exomes 0.00131 and 0.00141; 1000 Genomes Project 30x 0.00141; gnomAD 0.00141 and 0.00142; TOPMed 0.00142.
gnomAD v4.1: 2,106 of 1,477,312 alleles (0.14%); highest among the groups gnomAD compares: Middle Eastern, 0.78%; 6 homozygotes.

Submissions (3):

Illumina Laboratory Services, Illumina
Classification: Likely benign for Chondrodysplasia Blomstrand type. Last evaluated: 2018-01-13. Review status: criteria provided, single submitter. Criteria: ICSL Variant Classification Criteria 13 December 2019. Collection method: clinical testing. Allele origin: germline.
Comment: This variant was observed in the ICSL laboratory as part of a predisposition screen in an ostensibly healthy population. It had not been previously curated by ICSL or reported in the Human Gene Mutation Database (HGMD: prior to June 1st, 2018), and was therefore a candidate for classification through an automated scoring system. Utilizing variant allele frequency, disease prevalence and penetrance estimates, and inheritance mode, an automated score was calculated to assess if this variant is too frequent to cause the disease. Based on the score and internal cut-off values, a variant classified as likely benign is not then subjected to further curation. The score for this variant resulted in a classification of likely benign for this disease.

Illumina Laboratory Services, Illumina
Classification: Benign for Metaphyseal chondrodysplasia, Jansen type. Last evaluated: 2018-01-13. Review status: criteria provided, single submitter. Criteria: ICSL Variant Classification Criteria 13 December 2019. Collection method: clinical testing. Allele origin: germline.
Comment: This variant was observed in the ICSL laboratory as part of a predisposition screen in an ostensibly healthy population. It had not been previously curated by ICSL or reported in the Human Gene Mutation Database (HGMD: prior to June 1st, 2018), and was therefore a candidate for classification through an automated scoring system. Utilizing variant allele frequency, disease prevalence and penetrance estimates, and inheritance mode, an automated score was calculated to assess if this variant is too frequent to cause the disease. Based on the score and internal cut-off values, a variant classified as benign is not then subjected to further curation. The score for this variant resulted in a classification of benign for this disease.

Breakthrough Genomics
Classification: Likely benign. Review status: criteria provided, single submitter. Criteria: ACMG Guidelines, 2015. Collection method: not provided. Allele origin: germline. Inheritance: Autosomal recessive inheritance. Affected: yes.

NM_000316.3(PTH1R):c.-37G>A

Gene: PTH1R (parathyroid hormone 1 receptor; plus strand). Cytogenetic location: 3p21.31.
Variant type: single nucleotide variant.
Coding change: c.-37G>A on transcript NM_000316.3 (MANE Select); 37 bases upstream of the start codon, G replaced by A.
Molecular consequence: 5 prime UTR variant.
Genome position (GRCh38, 1-based): chr3:46,883,523, G>A. VCF-style: chr3-46883523-G-A. GRCh37 (hg19) VCF-style: chr3-46925013-G-A.
Other names: c.-37G>A (NM_001184744.1).
Identifiers: ClinVar variation 345574 (VCV000345574.6), dbSNP rs201663714, ClinGen allele CA2359051.